The following is an entry in ClinVar:

NM_080817.5(GPR82):c.399C>T (p.Cys133=)

Genes: CASK (calcium/calmodulin dependent serine protein kinase; minus strand), GPR82 (G protein-coupled receptor 82; plus strand). Cytogenetic location: Xp11.4.
Variant type: single nucleotide variant.
Coding change: c.399C>T on transcript NM_080817.5 (MANE Select); coding-DNA position 399, C replaced by T.
Protein change: p.Cys133=; no amino-acid change (cysteine 133 retained).
Molecular consequence: synonymous variant. On other transcripts: intron variant (5).
Genome position (GRCh38, 1-based): chrX:41,727,425, C>T. VCF-style: chrX-41727425-C-T. GRCh37 (hg19) VCF-style: chrX-41586678-C-T.
Other names: c.429+11959G>A (NM_001126055.3, NM_001410745.1, NM_001126054.3 and 2 more transcripts).
Identifiers: ClinVar variation 1676159 (VCV001676159.33), dbSNP rs148728451, ClinGen allele CA10390534.

ClinVar aggregate classification (germline): Likely benign (1 of 4 stars; one submission).

Allele frequency attached by ClinVar (database versions not stated): ExAC 0.00007; gnomAD exomes 0.00007 and 0.00021; TOPMed 0.00011; gnomAD 0.00012; ESP Exome Variant Server 0.00019.
gnomAD v4.1: 239 of 1,209,208 alleles (0.02%); highest among the groups gnomAD compares: Non-Finnish European, 0.026%; no homozygotes.

Submission:

CeGaT Center for Human Genetics Tuebingen
Classification: Likely benign. Last evaluated: 2025-07-01. Review status: criteria provided, single submitter. Criteria: CeGaT Center For Human Genetics Tuebingen Variant Classification Criteria Version 2. Collection method: clinical testing. Allele origin: germline. Affected: yes. Observed: 5 variant alleles.
Comment: GPR82: BP4, BP7, BS2